The following is an entry in ClinVar:

NM_014171.6(CRIPT):c.242-19A>T

Gene: CRIPT (CXXC repeat containing interactor of PDZ3 domain; plus strand). Cytogenetic location: 2p21.
Variant type: single nucleotide variant.
Coding change: c.242-19A>T on transcript NM_014171.6 (MANE Select); 19 bases into the intron before coding-DNA position 242, A replaced by T.
Molecular consequence: intron variant.
Genome position (GRCh38, 1-based): chr2:46,624,144, A>T. VCF-style: chr2-46624144-A-T. GRCh37 (hg19) VCF-style: chr2-46851283-A-T.
Identifiers: ClinVar variation 1029251 (VCV001029251.1), dbSNP rs866376607, ClinGen allele CA46573718.

ClinVar aggregate classification (germline): Uncertain significance (1 of 4 stars; one submission).

Conditions:
Rothmund-Thomson syndrome type 3. Also called: Short stature with microcephaly and distinctive facies. Identifiers: MedGen C4014339, MONDO:0014347, OMIM 615789.

gnomAD v4.1: 3 of 1,542,872 alleles (0.00019%); highest among the groups gnomAD compares: Middle Eastern, 0.035%; no homozygotes.

Submission:

Baylor Genetics
Classification: Uncertain significance for Rothmund-Thomson syndrome type 3. Last evaluated: 2020-03-05. Review status: criteria provided, single submitter. Criteria: ACMG Guidelines, 2015. Collection method: clinical testing. Allele origin: unknown. Affected: yes.
Comment: This variant was determined to be of uncertain significance according to ACMG Guidelines, 2015 [PMID:25741868].